The following is an entry in ClinVar:

ClinVar aggregate classification (germline): Uncertain significance (1 of 4 stars; one submission).

Conditions:
Hereditary cancer-predisposing syndrome. Also called: Tumor predisposition; Hereditary neoplastic syndrome; Neoplastic Syndromes, Hereditary; Hereditary Cancer Syndrome. Identifiers: Orphanet 140162, MedGen C0027672, MeSH D009386, MONDO:0015356.

Submission:

Ambry Genetics
Classification: Uncertain significance for Hereditary cancer-predisposing syndrome. Last evaluated: 2025-05-24. Review status: criteria provided, single submitter. Criteria: Ambry Variant Classification Scheme 2023. Collection method: clinical testing. Allele origin: germline.
Comment: The p.M54V variant (also known as c.160A>G), located in coding exon 2 of the EGFR gene, results from an A to G substitution at nucleotide position 160. The methionine at codon 54 is replaced by valine, an amino acid with highly similar properties. This amino acid position is conserved. In addition, the in silico prediction for this alteration is inconclusive. Based on the available evidence, the clinical significance of this variant remains unclear.

NM_005228.5(EGFR):c.160A>G (p.Met54Val)

Gene: EGFR (epidermal growth factor receptor; plus strand). Cytogenetic location: 7p11.2.
Variant type: single nucleotide variant.
Coding change: c.160A>G on transcript NM_005228.5 (MANE Select); coding-DNA position 160, A replaced by G.
Protein change: p.Met54Val; replaces methionine 54 with valine.
Molecular consequence: missense variant. On other transcripts: initiator codon variant (1), intron variant (1).
Genome position (GRCh38, 1-based): chr7:55,142,357, A>G. VCF-style: chr7-55142357-A-G. GRCh37 (hg19) VCF-style: chr7-55210050-A-G.
Other names: c.160A>G, p.Met54Val (NM_001346898.2, NM_001346897.2, NM_001346899.2 and 3 more transcripts); c.1A>G, p.Met1Val (NM_001346900.2); c.89-13473A>G (NM_001346941.2); short protein forms M1V, M54V.
Identifiers: ClinVar variation 4016790 (VCV004016790.1).